The following is an entry in ClinVar:

ClinVar aggregate classification (germline): Uncertain significance (1 of 4 stars; one submission).

Submission:

Labcorp Genetics (formerly Invitae), Labcorp
Classification: Uncertain significance. Last evaluated: 2025-09-02. Review status: criteria provided, single submitter. Criteria: Invitae Variant Classification Sherloc (09022015). Collection method: clinical testing. Allele origin: germline.
Comment: This sequence change replaces proline, which is neutral and non-polar, with serine, which is neutral and polar, at codon 92 of the DMRT2 protein (p.Pro92Ser). This variant is not present in population databases (gnomAD no frequency). This variant has not been reported in the literature in individuals affected with DMRT2-related conditions. An algorithm developed to predict the effect of missense changes on protein structure and function outputs the following: PolyPhen-2: "Possibly Damaging". The serine amino acid residue is found in multiple mammalian species, which suggests that this missense change does not adversely affect protein function. In summary, the available evidence is currently insufficient to determine the role of this variant in disease. Therefore, it has been classified as a Variant of Uncertain Significance.

NM_181872.6(DMRT2):c.274C>T (p.Pro92Ser)

Gene: DMRT2 (doublesex and mab-3 related transcription factor 2; plus strand). Cytogenetic location: 9p24.3.
Variant type: single nucleotide variant.
Coding change: c.274C>T on transcript NM_181872.6 (MANE Select); coding-DNA position 274, C replaced by T.
Protein change: p.Pro92Ser; replaces proline 92 with serine.
Molecular consequence: missense variant. On other transcripts: 5 prime UTR variant (1), non-coding transcript variant (1).
Genome position (GRCh38, 1-based): chr9:1,051,887, C>T. VCF-style: chr9-1051887-C-T. GRCh37 (hg19) VCF-style: chr9-1051887-C-T.
Other names: c.274C>T, p.Pro92Ser (NM_001130865.3, NM_001370531.1, NM_001370533.1 and 4 more transcripts); c.-377C>T (NM_001370532.1); short protein forms P92S.
Identifiers: ClinVar variation 4726503 (VCV004726503.1).